The following is an entry in ClinVar:

NM_000051.4(ATM):c.5403_5413del (p.Asn1801fs)

Gene: ATM (ATM serine/threonine kinase; plus strand). Cytogenetic location: 11q22.3.
Variant type: Deletion.
Coding change: c.5403_5413del on transcript NM_000051.4 (MANE Select); coding-DNA positions 5403 to 5413, 11 bases deleted (TCATGACATTT).
Protein change: p.Asn1801fs; shifts the reading frame from asparagine 1801.
Molecular consequence: frameshift variant.
Genome position (GRCh38, 1-based): chr11:108,302,936-108,302,946, TCATGACATTT deleted. VCF-style (leftmost placement, unchanged base first): chr11-108302935-ATCATGACATTT-A. GRCh37 (hg19) VCF-style: chr11-108173662-ATCATGACATTT-A.
Other names: c.5403_5413del, p.Asn1801fs (NM_001351834.2); short protein forms N1801fs.
Identifiers: ClinVar variation 3148548 (VCV003148548.1), dbSNP rs2546979841, ClinGen allele CA2825001900.

ClinVar aggregate classification (germline): Pathogenic (1 of 4 stars; one submission).

Conditions:
Familial cancer of breast. Also called: BREAST CANCER, FAMILIAL; Hereditary breast cancer; hereditary breast carcinoma. Identifiers: Orphanet 227535, MedGen C0346153, MONDO:0016419, OMIM 114480. Disease mechanism: loss of function.

Submission:

Myriad Genetics, Inc.
Classification: Pathogenic for Familial cancer of breast. Last evaluated: 2024-01-25. Review status: criteria provided, single submitter. Criteria: Myriad Autosomal Dominant, Autosomal Recessive and X-Linked Classification Criteria (2023). Collection method: clinical testing. Allele origin: unknown.
Comment: This variant is considered pathogenic. This variant creates a frameshift predicted to result in premature protein truncation.